The following is an entry in ClinVar:

ClinVar aggregate classification (germline): Uncertain significance (1 of 4 stars; one submission).

Conditions:
Muscular dystrophy-dystroglycanopathy (congenital with brain and eye anomalies), type A14. Also called: Congenital muscular dystrophy-dystroglycanopathy with brain and eye anomalies, type A14; WALKER-WARBURG SYNDROME OR MUSCLE-EYE-BRAIN DISEASE, GMPPB-RELATED; Muscular dystrophy-dystroglycanopathy (congenital with brain and eye anomalies), type a, 14; Congenital Muscular Dystrophy-Dystroglycanopathy with Brain and Eye Anomalies Type A 14. Identifiers: Orphanet 588, MedGen C3809216, MONDO:0014140, OMIM 615350.
Muscular dystrophy-dystroglycanopathy (congenital with impaired intellectual development), type B, 14. Also called: Congenital muscular dystrophy-dystroglycanopathy with mental retardation, type B14; MUSCULAR DYSTROPHY, CONGENITAL, GMPPB-RELATED; Muscular dystrophy-dystroglycanopathy (congenital with intellectual disability), type B14. Identifiers: MedGen C3809221, MONDO:0014141, OMIM 615351.
Autosomal recessive limb-girdle muscular dystrophy type 2T. Also called: Limb-girdle muscular dystrophy-dystroglycanopathy, type C14; MUSCULAR DYSTROPHY-DYSTROGLYCANOPATHY, LIMB-GIRDLE, GMPPB-RELATED; MUSCULAR DYSTROPHY, LIMB-GIRDLE, TYPE 2T; Muscular dystrophy-dystroglycanopathy (limb-girdle), type c, 14. Identifiers: Orphanet 363623, MedGen C4518000, MONDO:0014142, OMIM 615352.

Submission:

Labcorp Genetics (formerly Invitae), Labcorp
Classification: Uncertain significance for Muscular dystrophy-dystroglycanopathy (limb-girdle), type c, 14; Muscular dystrophy-dystroglycanopathy (congenital with brain and eye anomalies), type a, 14; Muscular dystrophy-dystroglycanopathy (congenital with mental retardation), type b, 14. Last evaluated: 2019-12-27. Review status: criteria provided, single submitter. Criteria: Invitae Variant Classification Sherloc (09022015). Collection method: clinical testing. Allele origin: germline.
Comment: This sequence change replaces serine with glycine at codon 179 of the GMPPB protein (p.Ser179Gly). The serine residue is moderately conserved and there is a small physicochemical difference between serine and glycine. This variant is not present in population databases (ExAC no frequency). This variant has not been reported in the literature in individuals with GMPPB-related conditions. Algorithms developed to predict the effect of missense changes on protein structure and function (SIFT, PolyPhen-2, Align-GVGD) all suggest that this variant is likely to be tolerated, but these predictions have not been confirmed by published functional studies and their clinical significance is uncertain. In summary, the available evidence is currently insufficient to determine the role of this variant in disease. Therefore, it has been classified as a Variant of Uncertain Significance.

NM_021971.4(GMPPB):c.535A>G (p.Ser179Gly)

Gene: GMPPB (GDP-mannose pyrophosphorylase B; minus strand). Cytogenetic location: 3p21.31.
Variant type: single nucleotide variant.
Coding change: c.535A>G on transcript NM_021971.4 (MANE Select); coding-DNA position 535, A replaced by G.
Protein change: p.Ser179Gly; replaces serine 179 with glycine.
Molecular consequence: missense variant.
Genome position (GRCh38, 1-based): chr3:49,722,622, T>C on the plus strand (A>G on the coding strand, the complement: GMPPB is on the minus strand). VCF-style: chr3-49722622-T-C. GRCh37 (hg19) VCF-style: chr3-49760055-T-C.
Other names: c.535A>G, p.Ser179Gly (NM_013334.4); short protein forms S179G.
Identifiers: ClinVar variation 858995 (VCV000858995.1), dbSNP rs2080434558, ClinGen allele CA352828595.